The following is an entry in ClinVar:

ClinVar aggregate classification (germline): Likely pathogenic (1 of 4 stars; one submission).

Conditions:
Alstrom syndrome (ALMS). Identifiers: Orphanet 64, MedGen C0268425, MONDO:0008763, OMIM 203800.

Submission:

Rady Children's Institute for Genomic Medicine, Rady Children's Hospital San Diego
Classification: Likely pathogenic for Alstrom syndrome. Last evaluated: 2018-12-04. Review status: criteria provided, single submitter. Criteria: ACMG Guidelines, 2015. Collection method: clinical testing. Allele origin: germline. Affected: yes. Observed: 1 variant allele.
Comment: This frameshifting variant in exon 8 of 23 introduces a premature stop codon and is therefore predicted to result in loss of normal protein function. This variant has not been previously reported or functionally characterized in the literature to our knowledge. It is present in the heterozygous state in the gnomAD population database at a frequency of 0.0004% (1/245618) and thus is presumed to be rare. Based on the available evidence, the c.5729del (p.Pro1910GlnfsTer8) variant is classified as likely pathogenic.

NM_001378454.1(ALMS1):c.5726del (p.Glu1909fs)

Gene: ALMS1 (ALMS1 centrosome and basal body associated protein; plus strand). Cytogenetic location: 2p13.1.
Variant type: Deletion.
Coding change: c.5726del on transcript NM_001378454.1 (MANE Select); coding-DNA position 5726, one base deleted (A; older notation c.5726delA).
Protein change: p.Glu1909fs; shifts the reading frame from glutamic acid 1909.
Molecular consequence: frameshift variant.
Genome position (GRCh38, 1-based): chr2:73,452,253, A deleted. VCF-style (leftmost placement, unchanged base first): chr2-73452252-GA-G. GRCh37 (hg19) VCF-style: chr2-73679379-GA-G.
Other names: c.5729del, p.Glu1910fs (NM_015120.4); short protein forms E1910fs, E1909fs.
Identifiers: ClinVar variation 692062 (VCV000692062.1), dbSNP rs1572936972, ClinGen allele CA915944047.
Genomic context (GRCh38, chr2:73,452,252, plus strand): 5'-CAAATAGCATCCTCTAGTTCCTACTCAAATAGAGAGAAGGCCAGTATTTTTCATCAGCAG[GA>G]GTTGCCAGATGTTACTGAAGAAGCTTTAAATGTTTTTGTTGTTCCTGGACAAGGTGACCG-3'